The following is an entry in ClinVar:

NM_000136.3(FANCC):c.1624A>G (p.Arg542Gly)

Genes: AOPEP (aminopeptidase O (putative); plus strand), FANCC (FA complementation group C; minus strand). Cytogenetic location: 9q22.32.
Variant type: single nucleotide variant.
Coding change: c.1624A>G on transcript NM_000136.3 (MANE Select); coding-DNA position 1624, A replaced by G.
Protein change: p.Arg542Gly; replaces arginine 542 with glycine.
Molecular consequence: missense variant.
Genome position (GRCh38, 1-based): chr9:95,101,760, T>C on the plus strand (A>G on the coding strand, the complement: FANCC is on the minus strand). VCF-style: chr9-95101760-T-C. GRCh37 (hg19) VCF-style: chr9-97864042-T-C.
Other names: c.1624A>G, p.Arg542Gly (NM_001243743.2); short protein forms R542G.
Identifiers: ClinVar variation 2450924 (VCV002450924.2), dbSNP rs1367574675, ClinGen allele CA374104401.

ClinVar aggregate classification (germline): Uncertain significance (1 of 4 stars; one submission).

Conditions:
Hereditary cancer-predisposing syndrome. Also called: Neoplastic Syndromes, Hereditary; Tumor predisposition; Hereditary neoplastic syndrome; Hereditary Cancer Syndrome. Identifiers: Orphanet 140162, MedGen C0027672, MeSH D009386, MONDO:0015356.

gnomAD v4.1: 2 of 1,614,170 alleles (0.00012%); highest among the groups gnomAD compares: Non-Finnish European, 0.00017%; no homozygotes.

Submission:

Ambry Genetics
Classification: Uncertain significance for Hereditary cancer-predisposing syndrome. Last evaluated: 2022-12-23. Review status: criteria provided, single submitter. Criteria: Ambry Variant Classification Scheme 2023. Collection method: clinical testing. Allele origin: germline.
Comment: The p.R542G variant (also known as c.1624A>G), located in coding exon 14 of the FANCC gene, results from an A to G substitution at nucleotide position 1624. The arginine at codon 542 is replaced by glycine, an amino acid with dissimilar properties. This amino acid position is conserved. In addition, this alteration is predicted to be tolerated by in silico analysis. Since supporting evidence is limited at this time, the clinical significance of this alteration remains unclear.